The following is an entry in ClinVar:

ClinVar aggregate classification (germline): Uncertain significance. Review status: criteria provided, multiple submitters, no conflicts (2 of 4 stars). 2 submissions from 2 submitters: Uncertain significance (2). Last evaluated 2022-12-31.

Conditions:
Inborn genetic diseases. Identifiers: MedGen C0950123, MeSH D030342.

gnomAD v4.1: 1 of 1,613,764 alleles (0.000062%); highest among the groups gnomAD compares: Admixed American, 0.0017%; no homozygotes.

Submissions (2):

Labcorp Genetics (formerly Invitae), Labcorp
Classification: Uncertain significance. Last evaluated: 2022-12-31. Review status: criteria provided, single submitter. Criteria: Invitae Variant Classification Sherloc (09022015). Collection method: clinical testing. Allele origin: germline.
Comment: In summary, the available evidence is currently insufficient to determine the role of this variant in disease. Therefore, it has been classified as a Variant of Uncertain Significance. Algorithms developed to predict the effect of missense changes on protein structure and function (SIFT, PolyPhen-2, Align-GVGD) all suggest that this variant is likely to be tolerated. ClinVar contains an entry for this variant (Variation ID: 1772935). This variant has not been reported in the literature in individuals affected with ATR-related conditions. This variant is present in population databases (no rsID available, gnomAD 0.003%). This sequence change replaces asparagine, which is neutral and polar, with aspartic acid, which is acidic and polar, at codon 484 of the ATR protein (p.Asn484Asp).

Ambry Genetics
Classification: Uncertain significance for Inborn genetic diseases. Last evaluated: 2022-01-15. Review status: criteria provided, single submitter. Criteria: Ambry Variant Classification Scheme 2023. Collection method: clinical testing. Allele origin: germline.
Comment: The p.N484D variant (also known as c.1450A>G), located in coding exon 6 of the ATR gene, results from an A to G substitution at nucleotide position 1450. The asparagine at codon 484 is replaced by aspartic acid, an amino acid with highly similar properties. This amino acid position is conserved. In addition, this alteration is predicted to be tolerated by in silico analysis. Since supporting evidence is limited at this time, the clinical significance of this alteration remains unclear.

NM_001184.4(ATR):c.1450A>G (p.Asn484Asp)

Gene: ATR (ATR checkpoint kinase; minus strand). Cytogenetic location: 3q23.
Variant type: single nucleotide variant.
Coding change: c.1450A>G on transcript NM_001184.4 (MANE Select); coding-DNA position 1450, A replaced by G.
Protein change: p.Asn484Asp; replaces asparagine 484 with aspartic acid.
Molecular consequence: missense variant. On other transcripts: intron variant (1).
Genome position (GRCh38, 1-based): chr3:142,560,354, T>C on the plus strand (A>G on the coding strand, the complement: ATR is on the minus strand). VCF-style: chr3-142560354-T-C. GRCh37 (hg19) VCF-style: chr3-142279196-T-C.
Other names: c.1349+889A>G (NM_001354579.2); short protein forms N484D.
Identifiers: ClinVar variation 1772935 (VCV001772935.5), dbSNP rs1312070564, ClinGen allele CA354822829.